The following is an entry in ClinVar:

ClinVar aggregate classification (germline): Uncertain significance (1 of 4 stars; one submission).

Allele frequency attached by ClinVar (database versions not stated): TOPMed 0.00001; ExAC 0.00002; gnomAD 0.00002.
gnomAD v4.1: 107 of 1,613,850 alleles (0.0066%); highest among the groups gnomAD compares: Non-Finnish European, 0.0084%; no homozygotes.

Submission:

Labcorp Genetics (formerly Invitae), Labcorp
Classification: Uncertain significance. Last evaluated: 2024-10-16. Review status: criteria provided, single submitter. Criteria: Invitae Variant Classification Sherloc (09022015). Collection method: clinical testing. Allele origin: germline.
Comment: This sequence change replaces asparagine, which is neutral and polar, with aspartic acid, which is acidic and polar, at codon 127 of the RDH11 protein (p.Asn127Asp). This variant is present in population databases (rs781277000, gnomAD 0.008%). This variant has not been reported in the literature in individuals affected with RDH11-related conditions. ClinVar contains an entry for this variant (Variation ID: 1903024). An algorithm developed to predict the effect of missense changes on protein structure and function (PolyPhen-2) suggests that this variant is likely to be disruptive. In summary, the available evidence is currently insufficient to determine the role of this variant in disease. Therefore, it has been classified as a Variant of Uncertain Significance.

NM_016026.4(RDH11):c.379A>G (p.Asn127Asp)

Genes: GPHN (gephyrin; plus strand), RDH11 (retinol dehydrogenase 11; minus strand). Cytogenetic location: 14q24.1.
Variant type: single nucleotide variant.
Coding change: c.379A>G on transcript NM_016026.4 (MANE Select); coding-DNA position 379, A replaced by G.
Protein change: p.Asn127Asp; replaces asparagine 127 with aspartic acid.
Molecular consequence: missense variant.
Genome position (GRCh38, 1-based): chr14:67,691,215, T>C on the plus strand (A>G on the coding strand, the complement: RDH11 is on the minus strand). VCF-style: chr14-67691215-T-C. GRCh37 (hg19) VCF-style: chr14-68157932-T-C.
Other names: c.379A>G, p.Asn127Asp (NM_001252650.2); short protein forms N127D.
Identifiers: ClinVar variation 1903024 (VCV001903024.5), dbSNP rs781277000, ClinGen allele CA7238410.